The following is an entry in ClinVar:

ClinVar aggregate classification (germline): Pathogenic (1 of 4 stars; one submission).

Conditions:
Hereditary breast ovarian cancer syndrome. Also called: Hereditary breast and ovarian cancer syndrome (HBOC); Hereditary breast and/or ovarian cancer syndrome; Hereditary breast and ovarian cancer syndrome; Breast and ovarian cancer; Hereditary breast and ovarian cancer; BRCA1- and BRCA2-Associated Hereditary Breast and Ovarian Cancer. Identifiers: Orphanet 145, MedGen C0677776, MeSH D061325, MONDO:0003582. Disease mechanism: loss of function.

Submission:

Labcorp Genetics (formerly Invitae), Labcorp
Classification: Pathogenic for Hereditary breast ovarian cancer syndrome. Last evaluated: 2023-09-17. Review status: criteria provided, single submitter. Criteria: Invitae Variant Classification Sherloc (09022015). Collection method: clinical testing. Allele origin: germline.
Comment: For these reasons, this variant has been classified as Pathogenic. This variant has not been reported in the literature in individuals affected with BRCA2-related conditions. This variant is not present in population databases (gnomAD no frequency). This sequence change creates a premature translational stop signal (p.Ser2414*) in the BRCA2 gene. It is expected to result in an absent or disrupted protein product. Loss-of-function variants in BRCA2 are known to be pathogenic (PMID: 20104584).

Literature cited by the submitters: PubMed 20104584.

NM_000059.4(BRCA2):c.7241C>A (p.Ser2414Ter)

Gene: BRCA2 (BRCA2 DNA repair associated; plus strand). Cytogenetic location: 13q13.1.
Variant type: single nucleotide variant.
Coding change: c.7241C>A on transcript NM_000059.4 (MANE Select); coding-DNA position 7241, C replaced by A.
Protein change: p.Ser2414Ter; replaces serine 2414 with a stop codon.
Molecular consequence: nonsense. On other transcripts: non-coding transcript variant (1).
Genome position (GRCh38, 1-based): chr13:32,355,094, C>A. VCF-style: chr13-32355094-C-A. GRCh37 (hg19) VCF-style: chr13-32929231-C-A.
Other names: c.7145C>A, p.Ser2382Ter (NM_001406719.1); c.7241C>A, p.Ser2414Ter (NM_001406720.1); c.2309C>A, p.Ser770Ter (NM_001406721.1); c.824C>A, p.Ser275Ter (NM_001406722.1); short protein forms S275*, S2382*, S2414*, S770*.
Identifiers: ClinVar variation 2761286 (VCV002761286.3), dbSNP rs80358951, ClinGen allele CA387740371.